The following is an entry in ClinVar:

ClinVar aggregate classification (germline): Benign (1 of 4 stars; one submission).

Conditions:
Diaphyseal medullary stenosis-bone malignancy syndrome. Also called: MYOPATHY, LIMB-GIRDLE, WITH BONE FRAGILITY; BONE DYSPLASIA WITH MALIGNANT FIBROUS HISTIOCYTOMA; BONE DYSPLASIA WITH MEDULLARY FIBROSARCOMA. Identifiers: Orphanet 85182, MedGen C1862177, MONDO:0007205, OMIM 112250.

Allele frequency attached by ClinVar (database versions not stated): gnomAD 0.00058 and 0.00063; 1000 Genomes Project 0.00060; 1000 Genomes Project 30x 0.00078; TOPMed 0.00079.
gnomAD v4.1: 1,091 of 985,398 alleles (0.11%); highest among the groups gnomAD compares: Non-Finnish European, 0.12%; 1 homozygote.

Submission:

Illumina Laboratory Services, Illumina
Classification: Benign for Diaphyseal medullary stenosis-bone malignancy syndrome. Last evaluated: 2018-01-13. Review status: criteria provided, single submitter. Criteria: ICSL Variant Classification Criteria 13 December 2019. Collection method: clinical testing. Allele origin: germline.
Comment: This variant was observed in the ICSL laboratory as part of a predisposition screen in an ostensibly healthy population. It had not been previously curated by ICSL or reported in the Human Gene Mutation Database (HGMD: prior to June 1st, 2018), and was therefore a candidate for classification through an automated scoring system. Utilizing variant allele frequency, disease prevalence and penetrance estimates, and inheritance mode, an automated score was calculated to assess if this variant is too frequent to cause the disease. Based on the score and internal cut-off values, a variant classified as benign is not then subjected to further curation. The score for this variant resulted in a classification of benign for this disease.

NM_002451.4(MTAP):c.*2238C>T

Gene: MTAP (methylthioadenosine phosphorylase; plus strand). Cytogenetic location: 9p21.3.
Variant type: single nucleotide variant.
Coding change: c.*2238C>T on transcript NM_002451.4 (MANE Select); 2238 bases downstream of the stop codon, C replaced by T.
Molecular consequence: 3 prime UTR variant.
Genome position (GRCh38, 1-based): chr9:21,864,252, C>T. VCF-style: chr9-21864252-C-T. GRCh37 (hg19) VCF-style: chr9-21864251-C-T.
Identifiers: ClinVar variation 366290 (VCV000366290.5), dbSNP rs150727017, ClinGen allele CA10627091.
Genomic context (GRCh38, chr9:21,864,252, plus strand): 5'-CATTTTCAGACTAACTAAATGAATGCAGTATACTCTTTTCTTTGTTCTCAATCATTCACT[C>T]CTTATGCAAAGCCAATATAATTTTCCTCATACCTTATGCTTGAGGATATTGTTGAAGAAC-3'